The following is an entry in ClinVar:

ClinVar aggregate classification (germline): Uncertain significance (1 of 4 stars; one submission).

Submission:

Ambry Genetics
Classification: Uncertain significance. Last evaluated: 2026-06-14. Review status: criteria provided, single submitter. Criteria: Ambry Variant Classification Scheme 2023. Collection method: clinical testing. Allele origin: germline.
Comment: The p.V825L variant (also known as c.2473G>C), located in coding exon 11 of the WNK2 gene, results from a G to C substitution at nucleotide position 2473. The valine at codon 825 is replaced by leucine, an amino acid with highly similar properties. This amino acid position is conserved. In addition, this alteration is predicted to be tolerated by in silico analysis. Based on the available evidence, the clinical significance of this variant remains unclear.

NM_006648.4(WNK2):c.2473G>C (p.Val825Leu)

Gene: WNK2 (WNK lysine deficient protein kinase 2; plus strand). Cytogenetic location: 9q22.31.
Variant type: single nucleotide variant.
Coding change: c.2473G>C on transcript NM_006648.4 (MANE Select); coding-DNA position 2473, G replaced by C.
Protein change: p.Val825Leu; replaces valine 825 with leucine.
Molecular consequence: missense variant.
Genome position (GRCh38, 1-based): chr9:93,259,021, G>C. VCF-style: chr9-93259021-G-C. GRCh37 (hg19) VCF-style: chr9-96021303-G-C.
Other names: c.2473G>C, p.Val825Leu (NM_001282394.3); short protein forms V825L.
Identifiers: ClinVar variation 2257884 (VCV002257884.3), dbSNP rs542691515, ClinGen allele CA374056489.